The following is an entry in ClinVar:

ClinVar aggregate classification (germline): Uncertain significance (1 of 4 stars; one submission).

Allele frequency attached by ClinVar (database versions not stated): gnomAD exomes below 0.00001.
gnomAD v4.1: 2 of 1,551,758 alleles (0.00013%); highest among the groups gnomAD compares: Non-Finnish European, 0.00017%; no homozygotes.

Submission:

Labcorp Genetics (formerly Invitae), Labcorp
Classification: Uncertain significance. Last evaluated: 2025-12-15. Review status: criteria provided, single submitter. Criteria: Invitae Variant Classification Sherloc (09022015). Collection method: clinical testing. Allele origin: germline.
Comment: This sequence change replaces methionine, which is neutral and non-polar, with isoleucine, which is neutral and non-polar, at codon 353 of the UNC80 protein (p.Met353Ile). This variant is not present in population databases (gnomAD no frequency). This variant has not been reported in the literature in individuals affected with UNC80-related conditions. ClinVar contains an entry for this variant (Variation ID: 2048193). An algorithm developed to predict the effect of missense changes on protein structure and function (PolyPhen-2) suggests that this variant is likely to be tolerated. In summary, the available evidence is currently insufficient to determine the role of this variant in disease. Therefore, it has been classified as a Variant of Uncertain Significance.

NM_001371986.1(UNC80):c.1059G>A (p.Met353Ile)

Gene: UNC80 (unc-80 subunit of NALCN channel complex; plus strand). Cytogenetic location: 2q34.
Variant type: single nucleotide variant.
Coding change: c.1059G>A on transcript NM_001371986.1 (MANE Select); coding-DNA position 1059, G replaced by A.
Protein change: p.Met353Ile; replaces methionine 353 with isoleucine.
Molecular consequence: missense variant.
Genome position (GRCh38, 1-based): chr2:209,813,700, G>A. VCF-style: chr2-209813700-G-A. GRCh37 (hg19) VCF-style: chr2-210678424-G-A.
Other names: c.1059G>A, p.Met353Ile (NM_032504.2, NM_182587.4); short protein forms M353I.
Identifiers: ClinVar variation 2048193 (VCV002048193.4), dbSNP rs2470957949, ClinGen allele CA350133133.